The following is an entry in ClinVar:

ClinVar aggregate classification (germline): Benign/Likely benign. Review status: criteria provided, multiple submitters, no conflicts (2 of 4 stars). 3 submissions from 3 submitters: Benign (1); Likely benign (2). Last evaluated 2025-12-30.

Conditions:
Hypomyelination and Congenital Cataract (HLD5). Also called: hypomyelinating leukodystrophy 5. Identifiers: Orphanet 85163, MedGen C1864663, MONDO:0012514, OMIM 610532.

Allele frequency attached by ClinVar (database versions not stated): gnomAD exomes 0.00020 and 0.00045; ExAC 0.00050; 1000 Genomes Project 30x 0.00078; 1000 Genomes Project 0.00080; ESP Exome Variant Server 0.00161; gnomAD 0.00163 and 0.00176; TOPMed 0.00203.
gnomAD v4.1: 544 of 1,611,754 alleles (0.034%); highest among the groups gnomAD compares: African/African-American, 0.56%; 4 homozygotes.

Submissions (3):

Labcorp Genetics (formerly Invitae), Labcorp
Classification: Benign for Hypomyelination and Congenital Cataract. Last evaluated: 2025-12-30. Review status: criteria provided, single submitter. Criteria: Invitae Variant Classification Sherloc (09022015). Collection method: clinical testing. Allele origin: germline.

Blueprint Genetics
Classification: Likely benign. Last evaluated: 2024-11-14. Review status: criteria provided, single submitter. Criteria: ACMG Guidelines, 2015. Collection method: clinical testing. Allele origin: germline.

Illumina Laboratory Services, Illumina
Classification: Likely benign for Hypomyelination and Congenital Cataract. Last evaluated: 2018-01-12. Review status: criteria provided, single submitter. Criteria: ICSL Variant Classification Criteria 13 December 2019. Collection method: clinical testing. Allele origin: germline.
Comment: This variant was observed in the ICSL laboratory as part of a predisposition screen in an ostensibly healthy population. It had not been previously curated by ICSL or reported in the Human Gene Mutation Database (HGMD: prior to June 1st, 2018), and was therefore a candidate for classification through an automated scoring system. Utilizing variant allele frequency, disease prevalence and penetrance estimates, and inheritance mode, an automated score was calculated to assess if this variant is too frequent to cause the disease. Based on the score and internal cut-off values, a variant classified as likely benign is not then subjected to further curation. The score for this variant resulted in a classification of likely benign for this disease.

NM_032581.4(HYCC1):c.991+11C>T

Gene: HYCC1 (hyccin PI4KA lipid kinase complex subunit 1; minus strand). Cytogenetic location: 7p15.3.
Variant type: single nucleotide variant.
Coding change: c.991+11C>T on transcript NM_032581.4 (MANE Select); 11 bases into the intron after coding-DNA position 991, C replaced by T.
Molecular consequence: intron variant.
Genome position (GRCh38, 1-based): chr7:22,960,245, G>A on the plus strand (C>T on the coding strand, the complement: HYCC1 is on the minus strand). VCF-style: chr7-22960245-G-A. GRCh37 (hg19) VCF-style: chr7-22999864-G-A.
Other names: c.991+11C>T (NM_001363467.2, NM_001363466.2).
Identifiers: ClinVar variation 359775 (VCV000359775.13), dbSNP rs141187440, ClinGen allele CA4185850.